The following is an entry in ClinVar:

NM_006158.5(NEFL):c.682G>C (p.Glu228Gln)

Gene: NEFL (neurofilament light chain; minus strand). Cytogenetic location: 8p21.2.
Variant type: single nucleotide variant.
Coding change: c.682G>C on transcript NM_006158.5 (MANE Select); coding-DNA position 682, G replaced by C.
Protein change: p.Glu228Gln; replaces glutamic acid 228 with glutamine.
Molecular consequence: missense variant.
Genome position (GRCh38, 1-based): chr8:24,955,834, C>G on the plus strand (G>C on the coding strand, the complement: NEFL is on the minus strand). VCF-style: chr8-24955834-C-G. GRCh37 (hg19) VCF-style: chr8-24813348-C-G.
Other names: c.682G>C (NM_006158.3); short protein forms E228Q.
Identifiers: ClinVar variation 1364861 (VCV001364861.8), dbSNP rs895511770, ClinGen allele CA370621861.

ClinVar aggregate classification (germline): Uncertain significance. Review status: criteria provided, multiple submitters, no conflicts (2 of 4 stars). 2 submissions from 2 submitters: Uncertain significance (2). Last evaluated 2025-04-03.

Conditions:
Inborn genetic diseases. Identifiers: MedGen C0950123, MeSH D030342.
Charcot-Marie-Tooth disease type 2E (CMT2E). Also called: CHARCOT-MARIE-TOOTH DISEASE, AXONAL, TYPE 2E; CHARCOT-MARIE-TOOTH NEUROPATHY, TYPE 2E. Identifiers: Orphanet 99939, MedGen C1843225, MONDO:0011894, OMIM 607684.

Submissions (2):

Ambry Genetics
Classification: Uncertain significance for Inborn genetic diseases. Last evaluated: 2025-04-03. Review status: criteria provided, single submitter. Criteria: Ambry Variant Classification Scheme 2023. Collection method: clinical testing. Allele origin: germline.

Labcorp Genetics (formerly Invitae), Labcorp
Classification: Uncertain significance for Charcot-Marie-Tooth disease type 2E. Last evaluated: 2024-07-30. Review status: criteria provided, single submitter. Criteria: Invitae Variant Classification Sherloc (09022015). Collection method: clinical testing. Allele origin: germline.
Comment: This sequence change replaces glutamic acid, which is acidic and polar, with glutamine, which is neutral and polar, at codon 228 of the NEFL protein (p.Glu228Gln). This variant is not present in population databases (gnomAD no frequency). This variant has not been reported in the literature in individuals affected with NEFL-related conditions. ClinVar contains an entry for this variant (Variation ID: 1364861). Advanced modeling of protein sequence and biophysical properties (such as structural, functional, and spatial information, amino acid conservation, physicochemical variation, residue mobility, and thermodynamic stability) performed at Invitae indicates that this missense variant is not expected to disrupt NEFL protein function with a negative predictive value of 80%. In summary, the available evidence is currently insufficient to determine the role of this variant in disease. Therefore, it has been classified as a Variant of Uncertain Significance.